The following is an entry in ClinVar:

NM_001040142.2(SCN2A):c.3122C>T (p.Pro1041Leu)

Gene: SCN2A (sodium voltage-gated channel alpha subunit 2; plus strand). Cytogenetic location: 2q24.3.
Variant type: single nucleotide variant.
Coding change: c.3122C>T on transcript NM_001040142.2 (MANE Select); coding-DNA position 3122, C replaced by T.
Protein change: p.Pro1041Leu; replaces proline 1041 with leucine.
Molecular consequence: missense variant.
Genome position (GRCh38, 1-based): chr2:165,354,394, C>T. VCF-style: chr2-165354394-C-T. GRCh37 (hg19) VCF-style: chr2-166210904-C-T.
Other names: c.3122C>T, p.Pro1041Leu (NM_001040143.2, NM_001371246.1, NM_001371247.1 and 1 more transcripts); short protein forms P1041L.
Identifiers: ClinVar variation 3343633 (VCV003343633.2).

ClinVar aggregate classification (germline): Pathogenic (1 of 4 stars; one submission).

Submission:

GeneDx
Classification: Pathogenic. Last evaluated: 2026-05-21. Review status: criteria provided, single submitter. Criteria: GeneDx Variant Classification Process June 2021. Collection method: clinical testing. Allele origin: germline.
Comment: In silico analysis supports that this missense variant has a deleterious effect on protein structure/function; Not observed at significant frequency in large population cohorts (gnomAD); This variant is associated with the following publications: (PMID: 31981491)